The following is an entry in ClinVar:

ClinVar aggregate classification (germline): Uncertain significance. Review status: criteria provided, multiple submitters, no conflicts (2 of 4 stars). 2 submissions from 2 submitters: Uncertain significance (2). Last evaluated 2025-03-01.

Conditions:
Hearing impairment. Also called: Impaired Hearing. Identifiers: MedGen C1384666, MONDO:0005365, HP:0000365.

Submissions (2):

CeGaT Center for Human Genetics Tuebingen
Classification: Uncertain significance. Last evaluated: 2025-03-01. Review status: criteria provided, single submitter. Criteria: CeGaT Center For Human Genetics Tuebingen Variant Classification Criteria Version 2. Collection method: clinical testing. Allele origin: germline. Affected: yes. Observed: 1 variant allele.
Comment: USH2A: PM2, BP4

Department of Otolaryngology – Head & Neck Surgery, Cochlear Implant Center
Classification: Uncertain significance for Hearing impairment. Last evaluated: 2021-04-12. Review status: criteria provided, single submitter. Criteria: ClinGen HL ACMG Specifications v1. Collection method: clinical testing. Allele origin: germline. Affected: yes.
Comment: PM2_Moderate, BP4_Supporting

NM_206933.4(USH2A):c.1270A>T (p.Met424Leu)

Gene: USH2A (usherin; minus strand). Cytogenetic location: 1q41.
Variant type: single nucleotide variant.
Coding change: c.1270A>T on transcript NM_206933.4 (MANE Select); coding-DNA position 1270, A replaced by T.
Protein change: p.Met424Leu; replaces methionine 424 with leucine.
Molecular consequence: missense variant.
Genome position (GRCh38, 1-based): chr1:216,324,226, T>A on the plus strand (A>T on the coding strand, the complement: USH2A is on the minus strand). VCF-style: chr1-216324226-T-A. GRCh37 (hg19) VCF-style: chr1-216497568-T-A.
Other names: c.1270A>T, p.Met424Leu (NM_007123.6); short protein forms M424L.
Identifiers: ClinVar variation 1064961 (VCV001064961.10), dbSNP rs2102654082, ClinGen allele CA344911564.